The following is an entry in ClinVar:

NM_031935.3(HMCN1):c.13940G>A (p.Ser4647Asn)

Gene: HMCN1 (hemicentin 1; plus strand). Cytogenetic location: 1q31.1.
Variant type: single nucleotide variant.
Coding change: c.13940G>A on transcript NM_031935.3 (MANE Select); coding-DNA position 13940, G replaced by A.
Protein change: p.Ser4647Asn; replaces serine 4647 with asparagine.
Molecular consequence: missense variant.
Genome position (GRCh38, 1-based): chr1:186,144,188, G>A. VCF-style: chr1-186144188-G-A. GRCh37 (hg19) VCF-style: chr1-186113320-G-A.
Other names: short protein forms S4647N.
Identifiers: ClinVar variation 1469675 (VCV001469675.6), dbSNP rs1650139224, ClinGen allele CA343914153.
Genomic context (GRCh38, chr1:186,144,188, plus strand): 5'-AAACACGGTTCTGTGACTTGCAACTGTCTTTTGGGGTGTTTGCAGTTCATGGAGCATGGA[G>A]CGCTTGGCAGCCTTGGGGAACATGCAGCGAAAGTTGTGGGAAAGGTACTCAGACAAGAGC-3'
Protein context (NP_114141.2, residues 4637-4657): IRPCPVHGAW[Ser4647Asn]AWQPWGTCSE

ClinVar aggregate classification (germline): Uncertain significance (1 of 4 stars; one submission).

Submission:

Labcorp Genetics (formerly Invitae), Labcorp
Classification: Uncertain significance. Last evaluated: 2021-11-22. Review status: criteria provided, single submitter. Criteria: Invitae Variant Classification Sherloc (09022015). Collection method: clinical testing. Allele origin: germline.
Comment: In summary, the available evidence is currently insufficient to determine the role of this variant in disease. Therefore, it has been classified as a Variant of Uncertain Significance. Algorithms developed to predict the effect of missense changes on protein structure and function output the following: SIFT: "Tolerated"; PolyPhen-2: "Benign"; Align-GVGD: "Class C0". The asparagine amino acid residue is found in multiple mammalian species, which suggests that this missense change does not adversely affect protein function. This variant has not been reported in the literature in individuals affected with HMCN1-related conditions. This variant is not present in population databases (gnomAD no frequency). This sequence change replaces serine, which is neutral and polar, with asparagine, which is neutral and polar, at codon 4647 of the HMCN1 protein (p.Ser4647Asn).